The following is an entry in ClinVar:

NM_001379610.1(SPINK1):c.71A>C (p.Asp24Ala)

Gene: SPINK1 (serine peptidase inhibitor Kazal type 1; minus strand). Cytogenetic location: 5q32.
Variant type: single nucleotide variant.
Coding change: c.71A>C on transcript NM_001379610.1 (MANE Select); coding-DNA position 71, A replaced by C.
Protein change: p.Asp24Ala; replaces aspartic acid 24 with alanine.
Molecular consequence: missense variant.
Genome position (GRCh38, 1-based): chr5:147,829,615, T>G on the plus strand (A>C on the coding strand, the complement: SPINK1 is on the minus strand). VCF-style: chr5-147829615-T-G. GRCh37 (hg19) VCF-style: chr5-147209178-T-G.
Other names: c.71A>C, p.Asp24Ala (NM_001354966.2, NM_003122.5); short protein forms D24A.
Identifiers: ClinVar variation 1757635 (VCV001757635.7), dbSNP rs766778368, ClinGen allele CA3494812.

ClinVar aggregate classification (germline): Uncertain significance. Review status: criteria provided, multiple submitters, no conflicts (2 of 4 stars). 3 submissions from 3 submitters: Uncertain significance (3). Last evaluated 2023-08-16.

Conditions:
Hereditary pancreatitis (PCTT). Also called: Hereditary chronic pancreatitis; PRSS1-Related Hereditary Pancreatitis. Identifiers: Orphanet 676, MedGen C0238339, MONDO:0008185, OMIM 167800.

Allele frequency attached by ClinVar (database versions not stated): gnomAD exomes 0.00001; ExAC 0.00003.
gnomAD v4.1: 7 of 1,612,582 alleles (0.00043%); highest among the groups gnomAD compares: Non-Finnish European, 0.00059%; no homozygotes.

Submissions (3):

Labcorp Genetics (formerly Invitae), Labcorp
Classification: Uncertain significance for Hereditary pancreatitis. Last evaluated: 2023-08-16. Review status: criteria provided, single submitter. Criteria: Invitae Variant Classification Sherloc (09022015). Collection method: clinical testing. Allele origin: germline.
Comment: This sequence change replaces aspartic acid, which is acidic and polar, with alanine, which is neutral and non-polar, at codon 24 of the SPINK1 protein (p.Asp24Ala). In summary, the available evidence is currently insufficient to determine the role of this variant in disease. Therefore, it has been classified as a Variant of Uncertain Significance. An algorithm developed to predict the effect of missense changes on protein structure and function (PolyPhen-2) suggests that this variant is likely to be tolerated. ClinVar contains an entry for this variant (Variation ID: 1757635). This variant has not been reported in the literature in individuals affected with SPINK1-related conditions. This variant is present in population databases (rs766778368, gnomAD 0.005%).

Blueprint Genetics
Classification: Uncertain significance. Last evaluated: 2022-04-08. Review status: criteria provided, single submitter. Criteria: ACMG Guidelines, 2015. Collection method: clinical testing. Allele origin: germline.

Ambry Genetics
Classification: Uncertain significance for Hereditary pancreatitis. Last evaluated: 2021-12-18. Review status: criteria provided, single submitter. Criteria: Ambry Variant Classification Scheme 2023. Collection method: clinical testing. Allele origin: germline.
Comment: The p.D24A variant (also known as c.71A>C), located in coding exon 2 of the SPINK1 gene, results from an A to C substitution at nucleotide position 71. The aspartic acid at codon 24 is replaced by alanine, an amino acid with dissimilar properties. This amino acid position is conserved. In addition, this alteration is predicted to be tolerated by in silico analysis. Since supporting evidence is limited at this time, the clinical significance of this alteration remains unclear.